The following is an entry in ClinVar:

ClinVar aggregate classification (germline): Uncertain significance (1 of 4 stars; one submission).

Conditions:
WBP11-related disorder. Also called: WBP11-related condition.

Submission:

PreventionGenetics, part of Exact Sciences
Classification: Uncertain significance for WBP11-related condition. Last evaluated: 2022-12-16. Review status: criteria provided, single submitter. Criteria: ACMG Guidelines, 2015. Collection method: clinical testing. Allele origin: germline.
Comment: The WBP11 c.191-8_191-3del6 variant is predicted to result in an intronic deletion. This variant modestly decreases the strength of the neighboring splice acceptor site based on in vitro prediction (Alamut Visual Plus v1.6.1). However, predictions such as this are imperfect and should be considered with caution. To our knowledge, this variant has not been reported in the literature or in a large population database, indicating this variant is rare. At this time, the clinical significance of this variant is uncertain due to the absence of conclusive functional and genetic evidence.

NM_016312.3(WBP11):c.191-8_191-3del

Gene: WBP11 (WW domain binding protein 11; minus strand). Cytogenetic location: 12p12.3.
Variant type: Deletion.
Coding change: c.191-8_191-3del on transcript NM_016312.3 (MANE Select); 8 bases into the intron before coding-DNA position 191 through 3 bases into the intron before coding-DNA position 191, 6 bases deleted (TCTCTT; older notation c.191-8_191-3delTCTCTT).
Molecular consequence: intron variant.
Genome position (GRCh38, 1-based): chr12:14,797,006-14,797,011, AAGAGA deleted on the plus strand (TCTCTT on the coding strand, the reverse complement: WBP11 is on the minus strand); deleting any 6 consecutive bases within chr12:14,797,006-14,797,013 gives the same sequence; the c. name uses the placement nearest the transcript's 3' end. VCF-style (leftmost placement, unchanged base first): chr12-14797005-TAAGAGA-T. GRCh37 (hg19) VCF-style: chr12-14949939-TAAGAGA-T.
Identifiers: ClinVar variation 2635608 (VCV002635608.1), dbSNP rs2498067428, ClinGen allele CA2695199055.